The following is an entry in ClinVar:

NM_001365276.2(TNXB):c.11105G>A (p.Arg3702His)

Genes: TNXB (tenascin XB; minus strand), LOC106780803 (tenascin XB recombination region; plus strand). Cytogenetic location: 6p21.33.
Variant type: single nucleotide variant.
Coding change: c.11105G>A on transcript NM_001365276.2 (MANE Select); coding-DNA position 11105, G replaced by A.
Protein change: p.Arg3702His; replaces arginine 3702 with histidine.
Molecular consequence: missense variant.
Genome position (GRCh38, 1-based): chr6:32,044,539, C>T on the plus strand (G>A on the coding strand, the complement: TNXB is on the minus strand). VCF-style: chr6-32044539-C-T. GRCh37 (hg19) VCF-style: chr6-32012316-C-T.
Other names: p.Arg3700His; c.11099G>A, p.Arg3700His (NM_019105.8); c.392G>A, p.Arg131His (NM_032470.4); short protein forms R131H, R3700H, R3702H.
Identifiers: ClinVar variation 1201053 (VCV001201053.4), dbSNP rs1299459693, ClinGen allele CA363524866.
Genomic context (GRCh38, chr6:32,044,539, plus strand): 5'-TCCCGGAGCACGGCCGAGTGCCGCGTCCCCGGCACCATCAGCTCGCGCTGCAGCAGTGGA[C>T]GCGGATGCGGCTCCAGAGTGCTTGGTGATGGAACCCCAAAGCGGAGCAGGAAGGAGTCGA-3'
Protein context (NP_001352205.1, residues 3692-3712): PSPSTLEPHP[Arg3702His]PLLQRELMVP

ClinVar aggregate classification (germline): Benign/Likely benign. Review status: criteria provided, multiple submitters, no conflicts (2 of 4 stars). 2 submissions from 2 submitters: Benign (1); Likely benign (1). Last evaluated 2024-01-03.

Allele frequency attached by ClinVar (database versions not stated): gnomAD exomes 0.00266.

Submissions (2):

Mayo Clinic Laboratories, Mayo Clinic
Classification: Benign. Last evaluated: 2024-01-03. Review status: criteria provided, single submitter. Criteria: ACMG Guidelines, 2015. Collection method: clinical testing. Allele origin: germline. Observed: 5 variant alleles.
Comment: BA1, BP4

GeneDx
Classification: Likely benign. Last evaluated: 2019-08-30. Review status: criteria provided, single submitter. Criteria: GeneDx Variant Classification Process June 2021. Collection method: clinical testing. Allele origin: germline. Affected: yes.